The following is an entry in ClinVar:

NM_005045.4(RELN):c.8095A>G (p.Met2699Val)

Gene: RELN (reelin; minus strand). Cytogenetic location: 7q22.1.
Variant type: single nucleotide variant.
Coding change: c.8095A>G on transcript NM_005045.4 (MANE Select); coding-DNA position 8095, A replaced by G.
Protein change: p.Met2699Val; replaces methionine 2699 with valine.
Molecular consequence: missense variant.
Genome position (GRCh38, 1-based): chr7:103,515,209, T>C on the plus strand (A>G on the coding strand, the complement: RELN is on the minus strand). VCF-style: chr7-103515209-T-C. GRCh37 (hg19) VCF-style: chr7-103155656-T-C.
Other names: c.8095A>G, p.Met2699Val (NM_173054.3); short protein forms M2699V.
Identifiers: ClinVar variation 658485 (VCV000658485.8), dbSNP rs747867154, ClinGen allele CA4420563.

ClinVar aggregate classification (germline): Uncertain significance (1 of 4 stars; one submission).

Conditions:
Familial temporal lobe epilepsy 7. Identifiers: Orphanet 101046, MedGen C4225327, MONDO:0014639, OMIM 616436.
Norman-Roberts syndrome (LIS2). Also called: Lissencephaly 2 (Norman-Roberts type). Identifiers: Orphanet 89844, MedGen C0796089, MONDO:0009760, OMIM 257320.

Allele frequency attached by ClinVar (database versions not stated): ExAC 0.00001; gnomAD 0.00001; gnomAD exomes 0.00001; TOPMed 0.00001.
gnomAD v4.1: 5 of 1,614,076 alleles (0.00031%); highest among the groups gnomAD compares: Middle Eastern, 0.016%; no homozygotes.

Submission:

Labcorp Genetics (formerly Invitae), Labcorp
Classification: Uncertain significance for Familial temporal lobe epilepsy 7; Norman-Roberts syndrome. Last evaluated: 2022-04-06. Review status: criteria provided, single submitter. Criteria: Invitae Variant Classification Sherloc (09022015). Collection method: clinical testing. Allele origin: germline.
Comment: In summary, the available evidence is currently insufficient to determine the role of this variant in disease. Therefore, it has been classified as a Variant of Uncertain Significance. Algorithms developed to predict the effect of missense changes on protein structure and function (SIFT, PolyPhen-2, Align-GVGD) all suggest that this variant is likely to be tolerated. ClinVar contains an entry for this variant (Variation ID: 658485). This variant has not been reported in the literature in individuals affected with RELN-related conditions. This sequence change replaces methionine, which is neutral and non-polar, with valine, which is neutral and non-polar, at codon 2699 of the RELN protein (p.Met2699Val). This variant is present in population databases (rs747867154, gnomAD 0.002%).